The following is an entry in ClinVar:

NM_080732.4(EGLN2):c.1006G>T (p.Val336Leu)

Genes: EGLN2 (egl-9 family hypoxia inducible factor 2; plus strand), RAB4B-EGLN2 (RAB4B-EGLN2 readthrough (NMD candidate); plus strand). Cytogenetic location: 19q13.2.
Variant type: single nucleotide variant.
Coding change: c.1006G>T on transcript NM_080732.4 (MANE Select); coding-DNA position 1006, G replaced by T.
Protein change: p.Val336Leu; replaces valine 336 with leucine.
Molecular consequence: missense variant. On other transcripts: non-coding transcript variant (1).
Genome position (GRCh38, 1-based): chr19:40,807,180, G>T. VCF-style: chr19-40807180-G-T. GRCh37 (hg19) VCF-style: chr19-41313085-G-T.
Other names: c.1006G>T, p.Val336Leu (NM_053046.4); short protein forms V336L.
Identifiers: ClinVar variation 1785671 (VCV001785671.2), dbSNP rs2145093020, ClinGen allele CA405956473.

ClinVar aggregate classification (germline): Uncertain significance (1 of 4 stars; one submission).

Submission:

Ambry Genetics
Classification: Uncertain significance. Last evaluated: 2022-01-04. Review status: criteria provided, single submitter. Criteria: Ambry Variant Classification Scheme 2023. Collection method: clinical testing. Allele origin: germline.
Comment: The p.V336L variant (also known as c.1006G>T), located in coding exon 3 of the EGLN2 gene, results from a G to T substitution at nucleotide position 1006. The valine at codon 336 is replaced by leucine, an amino acid with highly similar properties. This amino acid position is conserved. In addition, this alteration is predicted to be tolerated by in silico analysis. Since supporting evidence is limited at this time, the clinical significance of this alteration remains unclear.